The following is an entry in ClinVar:

NM_001015877.2(PHF6):c.834+87A>C

Gene: PHF6 (PHD finger protein 6; plus strand). Cytogenetic location: Xq26.2.
Variant type: single nucleotide variant.
Coding change: c.834+87A>C on transcript NM_001015877.2 (MANE Select); 87 bases into the intron after coding-DNA position 834, A replaced by C.
Molecular consequence: intron variant. On other transcripts: synonymous variant (1).
Genome position (GRCh38, 1-based): chrX:134,415,207, A>C. VCF-style: chrX-134415207-A-C. GRCh37 (hg19) VCF-style: chrX-133549237-A-C.
Other names: c.924A>C, p.Ser308= (NM_032335.3); c.834+87A>C (NM_032458.3).
Identifiers: ClinVar variation 1176958 (VCV001176958.37), dbSNP rs920718081, ClinGen allele CA336029413.

ClinVar aggregate classification (germline): Likely benign. Review status: criteria provided, multiple submitters, no conflicts (2 of 4 stars). 3 submissions from 3 submitters: Likely benign (2). 1 of the submissions does not count toward it. Last evaluated 2023-04-03.

Conditions:
PHF6-related disorder. Also called: PHF6-related condition.

gnomAD v4.1: 21 of 1,203,254 alleles (0.0017%); highest among the groups gnomAD compares: Non-Finnish European, 0.0024%; no homozygotes.

Submissions (3):

Blueprint Genetics
Classification: Likely benign. Last evaluated: 2023-04-03. Review status: criteria provided, single submitter. Criteria: ACMG Guidelines, 2015. Collection method: clinical testing. Allele origin: germline.

CeGaT Center for Human Genetics Tuebingen
Classification: Likely benign. Last evaluated: 2022-04-01. Review status: criteria provided, single submitter. Criteria: CeGaT Center For Human Genetics Tuebingen Variant Classification Criteria Version 2. Collection method: clinical testing. Allele origin: germline. Affected: yes. Observed: 2 variant alleles.
Comment: PHF6: BP4, BP7

PreventionGenetics, part of Exact Sciences
Classification: Likely benign for PHF6-related condition. Last evaluated: 2022-06-21. Review status: no assertion criteria provided. Collection method: clinical testing. Allele origin: germline. Not counted in ClinVar's aggregate classification.
Comment: This variant is classified as likely benign based on ACMG/AMP sequence variant interpretation guidelines (Richards et al. 2015 PMID: 25741868, with internal and published modifications).